The following is an entry in ClinVar:

NM_001430.5(EPAS1):c.1876A>C (p.Thr626Pro)

Gene: EPAS1 (endothelial PAS domain protein 1; plus strand). Cytogenetic location: 2p21.
Variant type: single nucleotide variant.
Coding change: c.1876A>C on transcript NM_001430.5 (MANE Select); coding-DNA position 1876, A replaced by C.
Protein change: p.Thr626Pro; replaces threonine 626 with proline.
Molecular consequence: missense variant.
Genome position (GRCh38, 1-based): chr2:46,380,548, A>C. VCF-style: chr2-46380548-A-C. GRCh37 (hg19) VCF-style: chr2-46607687-A-C.
Other names: short protein forms T626P.
Identifiers: ClinVar variation 3275684 (VCV003275684.1).

ClinVar aggregate classification (germline): Uncertain significance (1 of 4 stars; one submission).

Conditions:
Inborn genetic diseases. Identifiers: MedGen C0950123, MeSH D030342.

Submission:

Ambry Genetics
Classification: Uncertain significance for Inborn genetic diseases. Last evaluated: 2024-03-18. Review status: criteria provided, single submitter. Criteria: Ambry Variant Classification Scheme 2023. Collection method: clinical testing. Allele origin: germline.
Comment: The p.T626P variant (also known as c.1876A>C), located in coding exon 12 of the EPAS1 gene, results from an A to C substitution at nucleotide position 1876. The threonine at codon 626 is replaced by proline, an amino acid with highly similar properties. This amino acid position is conserved. In addition, the in silico prediction for this alteration is inconclusive. Based on the available evidence, the clinical significance of this alteration remains unclear.